The following is an entry in ClinVar:

NM_018418.5(SPATA7):c.94+2T>C

Gene: SPATA7 (spermatogenesis associated 7; plus strand). Cytogenetic location: 14q31.3.
Variant type: single nucleotide variant.
Coding change: c.94+2T>C on transcript NM_018418.5 (MANE Select); the canonical splice donor site of the intron after coding-DNA position 94, T replaced by C.
Molecular consequence: splice donor variant.
Genome position (GRCh38, 1-based): chr14:88,391,457, T>C. VCF-style: chr14-88391457-T-C. GRCh37 (hg19) VCF-style: chr14-88857801-T-C.
Other names: c.94+2T>C (NM_001040428.4).
Identifiers: ClinVar variation 189245 (VCV000189245.6), dbSNP rs786204787, ClinGen allele CA274500.
Genomic context (GRCh38, chr14:88,391,457, plus strand): 5'-CCTTCCCAGATATGGTCCACCGTGCCTATTTAAAGGACACTTGAGCACCAAAAGTAATGG[T>C]AAGTGAGGTGCTTAAAACGGCAGCTTTGTTAGAAGATTGTCTGAGTGTTTCCTTTACTGG-3'

ClinVar aggregate classification (germline): Likely pathogenic. Review status: criteria provided, multiple submitters, no conflicts (2 of 4 stars). 2 submissions from 2 submitters: Likely pathogenic (2). Last evaluated 2024-12-30.

Conditions:
Leber congenital amaurosis 3 (LCA3). Also called: SPATA7-Related Retinitis Pigmentosa. Identifiers: MedGen C1858677, MONDO:0011415, OMIM 604232.

Allele frequency attached by ClinVar (database versions not stated): gnomAD exomes below 0.00001; TOPMed 0.00001.
gnomAD v4.1: 2 of 1,613,050 alleles (0.00012%); highest among the groups gnomAD compares: Non-Finnish European, 0.00017%; no homozygotes.

Submissions (2):

Labcorp Genetics (formerly Invitae), Labcorp
Classification: Likely pathogenic for Leber congenital amaurosis 3. Last evaluated: 2024-12-30. Review status: criteria provided, single submitter. Criteria: Invitae Variant Classification Sherloc (09022015). Collection method: clinical testing. Allele origin: germline.
Comment: This sequence change affects a donor splice site in intron 2 of the SPATA7 gene. It is expected to disrupt RNA splicing. Variants that disrupt the donor or acceptor splice site typically lead to a loss of protein function (PMID: 16199547), and loss-of-function variants in SPATA7 are known to be pathogenic (PMID: 19268277, 22334370, 23847139, 26047050, 26261414). This variant is not present in population databases (gnomAD no frequency). This variant has not been reported in the literature in individuals affected with SPATA7-related conditions. ClinVar contains an entry for this variant (Variation ID: 189245). Algorithms developed to predict the effect of sequence changes on RNA splicing suggest that this variant may disrupt the consensus splice site. In summary, the currently available evidence indicates that the variant is pathogenic, but additional data are needed to prove that conclusively. Therefore, this variant has been classified as Likely Pathogenic.

Laboratory for Molecular Medicine, Mass General Brigham Personalized Medicine
Classification: Likely pathogenic for Leber congenital amaurosis. Last evaluated: 2013-08-08. Review status: criteria provided, single submitter. Criteria: LMM Criteria. Collection method: clinical testing. Allele origin: germline. Inheritance: Autosomal recessive inheritance. Observed: 1 variant allele. Study: CSER-MedSeq.
Comment: The 94+2T>C variant in SPATA7 has not been previously reported. This variant occurs in the invariant region (+/- 1/2) of the splice consensus sequence and is predicted to cause altered splicing leading to an abnormal or absent protein. However, this predictive information, in the absence of functional data, is not enough to conclude pathogenicity but does suggest the variant is likely pathogenic.

Literature cited by the submitters: PubMed 16199547 (cited by Labcorp Genetics (formerly Invitae), Labcorp); PubMed 19268277 (cited by Labcorp Genetics (formerly Invitae), Labcorp); PubMed 22334370 (cited by Labcorp Genetics (formerly Invitae), Labcorp); PubMed 23847139 (cited by Labcorp Genetics (formerly Invitae), Labcorp); PubMed 26047050 (cited by Labcorp Genetics (formerly Invitae), Labcorp); PubMed 26261414 (cited by Labcorp Genetics (formerly Invitae), Labcorp).